The following is an entry in ClinVar:

ClinVar aggregate classification (germline): Uncertain significance (1 of 4 stars; one submission).

Conditions:
Episodic ataxia type 2 (EA2). Also called: ACETAZOLAMIDE-RESPONSIVE HEREDITARY PAROXYSMAL CEREBELLAR ATAXIA; ATAXIA, EPISODIC, WITH NYSTAGMUS; ATAXIA, FAMILIAL PAROXYSMAL; CEREBELLAR ATAXIA, PAROXYSMAL, ACETAZOLAMIDE-RESPONSIVE; CEREBELLOPATHY, HEREDITARY PAROXYSMAL; EPISODIC ATAXIA, NYSTAGMUS-ASSOCIATED. Identifiers: Orphanet 97, MedGen C1720416, MONDO:0007163, OMIM 108500.
Developmental and epileptic encephalopathy, 42 (DEE42A). Also called: DEVELOPMENTAL AND EPILEPTIC ENCEPHALOPATHY 42A; EPILEPTIC ENCEPHALOPATHY, EARLY INFANTILE, 42A; Epileptic encephalopathy, early infantile, 42. Identifiers: MedGen C4310716, MONDO:0014917, OMIM 617106.

Submission:

Labcorp Genetics (formerly Invitae), Labcorp
Classification: Uncertain significance for Developmental and epileptic encephalopathy, 42; Episodic ataxia type 2. Last evaluated: 2024-09-28. Review status: criteria provided, single submitter. Criteria: Invitae Variant Classification Sherloc (09022015). Collection method: clinical testing. Allele origin: germline.
Comment: This variant, c.2986_3003dup, results in the insertion of 6 amino acid(s) of the CACNA1A protein (p.Gly996_Glu1001dup), but otherwise preserves the integrity of the reading frame. This variant is not present in population databases (gnomAD no frequency). This variant has not been reported in the literature in individuals affected with CACNA1A-related conditions. ClinVar contains an entry for this variant (Variation ID: 839638). Experimental studies and prediction algorithms are not available or were not evaluated, and the functional significance of this variant is currently unknown. In summary, the available evidence is currently insufficient to determine the role of this variant in disease. Therefore, it has been classified as a Variant of Uncertain Significance.

NM_001127222.2(CACNA1A):c.2983_3000dup (p.Gly995_Glu1000dup)

Gene: CACNA1A (calcium voltage-gated channel subunit alpha1 A; minus strand). Cytogenetic location: 19p13.13.
Variant type: Duplication.
Coding change: c.2983_3000dup on transcript NM_001127222.2 (MANE Select); coding-DNA positions 2983 to 3000, 18 bases duplicated (GGCCCCGACGGGGGCGAG).
Protein change: p.Gly995_Glu1000dup.
Molecular consequence: inframe insertion.
Genome position (GRCh38, 1-based): chr19:13,298,633-13,298,650, CTCGCCCCCGTCGGGGCC duplicated on the plus strand (GGCCCCGACGGGGGCGAG on the coding strand, the reverse complement: CACNA1A is on the minus strand); duplicating any 18 consecutive bases within chr19:13,298,633-13,298,657 gives the same sequence; the c. name uses the placement nearest the transcript's 3' end. VCF-style (leftmost placement, unchanged base first): chr19-13298632-G-GCTCGCCCCCGTCGGGGCC. GRCh37 (hg19) VCF-style: chr19-13409446-G-GCTCGCCCCCGTCGGGGCC.
Other names: c.2995_3012dup, p.Gly999_Glu1004dup (NM_000068.4, NM_023035.3); c.2986_3003dup, p.Gly996_Glu1001dup (NM_001127221.2, NM_001174080.2).
Identifiers: ClinVar variation 839638 (VCV000839638.10), dbSNP rs2057721057, ClinGen allele CA916082449.